The following is an entry in ClinVar:

NM_001792.5(CDH2):c.970A>G (p.Asn324Asp)

Gene: CDH2 (cadherin 2; minus strand). Cytogenetic location: 18q12.1.
Variant type: single nucleotide variant.
Coding change: c.970A>G on transcript NM_001792.5 (MANE Select); coding-DNA position 970, A replaced by G.
Protein change: p.Asn324Asp; replaces asparagine 324 with aspartic acid.
Molecular consequence: missense variant.
Genome position (GRCh38, 1-based): chr18:28,003,047, T>C on the plus strand (A>G on the coding strand, the complement: CDH2 is on the minus strand). VCF-style: chr18-28003047-T-C. GRCh37 (hg19) VCF-style: chr18-25583011-T-C.
Other names: c.877A>G, p.Asn293Asp (NM_001308176.2); short protein forms N324D, N293D.
Identifiers: ClinVar variation 1347803 (VCV001347803.7), dbSNP rs2144010006, ClinGen allele CA402242768.
Genomic context (GRCh38, chr18:28,003,047, plus strand): 5'-GTTGGCTTACTTCTCGATCAAGTCCAGCTGCCACTGTGATGATGTCACCAGTCTCATTGT[T>C]GATTGTAAACATGTTGGGTGAAGGGGTGCTTGGAGCCTGAGACACGATTCTGTACCTCAA-3'
Protein context (NP_001783.2, residues 314-334): STPSPNMFTI[Asn324Asp]NETGDIITVA

ClinVar aggregate classification (germline): Uncertain significance. Review status: criteria provided, multiple submitters, no conflicts (2 of 4 stars). 2 submissions from 2 submitters: Uncertain significance (2). Last evaluated 2021-11-04.

Submissions (2):

Labcorp Genetics (formerly Invitae), Labcorp
Classification: Uncertain significance. Last evaluated: 2021-11-04. Review status: criteria provided, single submitter. Criteria: Invitae Variant Classification Sherloc (09022015). Collection method: clinical testing. Allele origin: germline.
Comment: In summary, the available evidence is currently insufficient to determine the role of this variant in disease. Therefore, it has been classified as a Variant of Uncertain Significance. Algorithms developed to predict the effect of missense changes on protein structure and function are either unavailable or do not agree on the potential impact of this missense change (SIFT: "Deleterious"; PolyPhen-2: "Benign"; Align-GVGD: "Class C0"). This variant has not been reported in the literature in individuals affected with CDH2-related conditions. This variant is not present in population databases (gnomAD no frequency). This sequence change replaces asparagine, which is neutral and polar, with aspartic acid, which is acidic and polar, at codon 324 of the CDH2 protein (p.Asn324Asp).

Blueprint Genetics
Classification: Uncertain significance. Last evaluated: 2019-03-13. Review status: criteria provided, single submitter. Criteria: ACMG Guidelines, 2015. Collection method: clinical testing. Allele origin: germline.